The following is an entry in ClinVar:

ClinVar aggregate classification (germline): Uncertain significance. Review status: criteria provided, multiple submitters, no conflicts (2 of 4 stars). 3 submissions from 3 submitters: Uncertain significance (3). Last evaluated 2025-10-27.

Allele frequency attached by ClinVar (database versions not stated): gnomAD 0.00005; gnomAD exomes 0.00005 and 0.00010; TOPMed 0.00005; ESP Exome Variant Server 0.00008; ExAC 0.00025.
gnomAD v4.1: 80 of 1,581,036 alleles (0.0051%); highest among the groups gnomAD compares: Admixed American, 0.014%; no homozygotes.

Submissions (3):

Labcorp Genetics (formerly Invitae), Labcorp
Classification: Uncertain significance. Last evaluated: 2025-10-27. Review status: criteria provided, single submitter. Criteria: Invitae Variant Classification Sherloc (09022015). Collection method: clinical testing. Allele origin: germline.
Comment: This sequence change replaces proline, which is neutral and non-polar, with leucine, which is neutral and non-polar, at codon 461 of the SLC26A1 protein (p.Pro461Leu). This variant is present in population databases (rs376705237, gnomAD 0.08%), and has an allele count higher than expected for a pathogenic variant. This variant has not been reported in the literature in individuals affected with SLC26A1-related conditions. ClinVar contains an entry for this variant (Variation ID: 1000516). Invitae Evidence Modeling of protein sequence and biophysical properties (such as structural, functional, and spatial information, amino acid conservation, physicochemical variation, residue mobility, and thermodynamic stability) indicates that this missense variant is not expected to disrupt SLC26A1 protein function with a negative predictive value of 80%. Experimental studies have shown that this missense change affects SLC26A1 function (PMID: 36719378). In summary, the available evidence is currently insufficient to determine the role of this variant in disease. Therefore, it has been classified as a Variant of Uncertain Significance.

Revvity Omics, Revvity
Classification: Uncertain significance. Last evaluated: 2021-06-25. Review status: criteria provided, single submitter. Criteria: ACMG Guidelines, 2015. Collection method: clinical testing. Allele origin: germline.

Breakthrough Genomics
Classification: Uncertain significance. Review status: criteria provided, single submitter. Criteria: ACMG Guidelines, 2015. Collection method: not provided. Allele origin: germline. Inheritance: Autosomal recessive inheritance. Affected: yes.

Literature cited by the submitters: PubMed 36719378 (cited by Labcorp Genetics (formerly Invitae), Labcorp).

NM_022042.4(SLC26A1):c.1382C>T (p.Pro461Leu)

Genes: IDUA (alpha-L-iduronidase; plus strand), SLC26A1 (solute carrier family 26 member 1; minus strand). Cytogenetic location: 4p16.3.
Variant type: single nucleotide variant.
Coding change: c.1382C>T on transcript NM_022042.4 (MANE Select); coding-DNA position 1382, C replaced by T.
Protein change: p.Pro461Leu; replaces proline 461 with leucine.
Molecular consequence: missense variant. On other transcripts: intron variant (2).
Genome position (GRCh38, 1-based): chr4:989,557, G>A on the plus strand (C>T on the coding strand, the complement: SLC26A1 is on the minus strand). VCF-style: chr4-989557-G-A. GRCh37 (hg19) VCF-style: chr4-983345-G-A.
Other names: c.1382C>T, p.Pro461Leu (NM_213613.4); c.576+1571C>T (NM_134425.4); c.299+1608G>A (NM_000203.5); short protein forms P461L.
Identifiers: ClinVar variation 1000516 (VCV001000516.12), dbSNP rs376705237, ClinGen allele CA2801391.